The following is an entry in ClinVar:

NM_001393504.1(MAST3):c.1952C>T (p.Pro651Leu)

Gene: MAST3 (microtubule associated serine/threonine kinase 3; plus strand). Cytogenetic location: 19p13.11.
Variant type: single nucleotide variant.
Coding change: c.1952C>T on transcript NM_001393504.1 (MANE Select); coding-DNA position 1952, C replaced by T.
Protein change: p.Pro651Leu; replaces proline 651 with leucine.
Molecular consequence: missense variant.
Genome position (GRCh38, 1-based): chr19:18,135,821, C>T. VCF-style: chr19-18135821-C-T. GRCh37 (hg19) VCF-style: chr19-18246631-C-T.
Other names: c.1883C>T, p.Pro628Leu (NM_001393510.1, NM_001393512.1, NM_001393517.1 and 2 more transcripts); c.1880C>T, p.Pro627Leu (NM_001393511.1, NM_001393519.1); c.1904C>T, p.Pro635Leu (NM_001393513.1, NM_001393506.1); c.1865C>T, p.Pro622Leu (NM_001393514.1, NM_015016.2); c.1862C>T, p.Pro621Leu (NM_001393515.1, NM_001393520.1); c.1886C>T, p.Pro629Leu (NM_001393516.1, NM_001393508.1); c.1976C>T, p.Pro659Leu (NM_001393501.1); c.1955C>T, p.Pro652Leu (NM_001393502.1); and 4 more; short protein forms P613L, P635L, P651L, P659L, P627L, P621L, P622L, P628L.
Identifiers: ClinVar variation 5023904 (VCV005023904.1).

ClinVar aggregate classification (germline): Uncertain significance (1 of 4 stars; one submission).

Conditions:
Inborn genetic diseases. Identifiers: MedGen C0950123, MeSH D030342.

gnomAD v4.1: 3 of 1,608,334 alleles (0.00019%); highest among the groups gnomAD compares: African/African-American, 0.0013%; no homozygotes.

Submission:

Ambry Genetics
Classification: Uncertain significance for Inborn genetic diseases. Last evaluated: 2026-08-05. Review status: criteria provided, single submitter. Criteria: Ambry Variant Classification Scheme 2023. Collection method: clinical testing. Allele origin: germline.
Comment: The c.1865C>T (p.P622L) alteration is located in exon 17 (coding exon 17) of the MAST3 gene. This alteration results from a C to T substitution at nucleotide position 1865, causing the proline (P) at amino acid position 622 to be replaced by a leucine (L). Based on data from gnomAD, the T allele has an overall frequency of <0.001% (1/237720) total alleles studied. The highest observed frequency was 0.001% (1/107252) of European (non-Finnish) alleles. Based on insufficient or conflicting evidence, the clinical significance of this alteration remains unclear.